The following is an entry in ClinVar:

ClinVar aggregate classification (germline): Uncertain significance (1 of 4 stars; one submission).

Submission:

Labcorp Genetics (formerly Invitae), Labcorp
Classification: Uncertain significance. Last evaluated: 2022-04-10. Review status: criteria provided, single submitter. Criteria: Invitae Variant Classification Sherloc (09022015). Collection method: clinical testing. Allele origin: germline.
Comment: This variant results in a copy number gain of the genomic region encompassing exon(s) 4-6 of the PUS1 gene. This region includes the termination codon of the gene. This copy number gain extends beyond the assayed region for this gene and therefore may encompass additional genes. As the precise location of this event is unknown, it may be in tandem or it may be located elsewhere in the genome. This variant has not been reported in the literature in individuals affected with PUS1-related conditions. Experimental studies and prediction algorithms are not available or were not evaluated, and the functional significance of this variant is currently unknown. In summary, the available evidence is currently insufficient to determine the role of this variant in disease. Therefore, it has been classified as a Variant of Uncertain Significance.

NC_000012.11:g.(?_132423698)_(132428131_?)dup

Gene: PUS1 (pseudouridine synthase 1; plus strand). Cytogenetic location: 12q24.33.
Variant type: Duplication.
Identifiers: ClinVar variation 2426930 (VCV002426930.3).